The following is an entry in ClinVar:

ClinVar aggregate classification (germline): Uncertain significance (1 of 4 stars; one submission).

Submission:

Labcorp Genetics (formerly Invitae), Labcorp
Classification: Uncertain significance. Last evaluated: 2025-03-30. Review status: criteria provided, single submitter. Criteria: Invitae Variant Classification Sherloc (09022015). Collection method: clinical testing. Allele origin: germline.
Comment: This sequence change replaces valine, which is neutral and non-polar, with isoleucine, which is neutral and non-polar, at codon 835 of the TAOK2 protein (p.Val835Ile). This variant is not present in population databases (gnomAD no frequency). This variant has not been reported in the literature in individuals affected with TAOK2-related conditions. An algorithm developed to predict the effect of missense changes on protein structure and function outputs the following: PolyPhen-2: "Benign". The isoleucine amino acid residue is found in multiple mammalian species, which suggests that this missense change does not adversely affect protein function. In summary, the available evidence is currently insufficient to determine the role of this variant in disease. Therefore, it has been classified as a Variant of Uncertain Significance.

NM_016151.4(TAOK2):c.2503G>A (p.Val835Ile)

Gene: TAOK2 (TAO kinase 2; plus strand). Cytogenetic location: 16p11.2.
Variant type: single nucleotide variant.
Coding change: c.2503G>A on transcript NM_016151.4 (MANE Select); coding-DNA position 2503, G replaced by A.
Protein change: p.Val835Ile; replaces valine 835 with isoleucine.
Molecular consequence: missense variant. On other transcripts: intron variant (2).
Genome position (GRCh38, 1-based): chr16:29,986,775, G>A. VCF-style: chr16-29986775-G-A. GRCh37 (hg19) VCF-style: chr16-29998096-G-A.
Other names: c.2232+271G>A (NM_004783.4); c.2233-69G>A (NM_001252043.2); short protein forms V835I.
Identifiers: ClinVar variation 3620504 (VCV003620504.2).